The following is an entry in ClinVar:

ClinVar aggregate classification (germline): Uncertain significance. Review status: criteria provided, multiple submitters, no conflicts (2 of 4 stars). 2 submissions from 2 submitters: Uncertain significance (2). Last evaluated 2024-07-11.

Conditions:
Tuberous sclerosis 2 (TSC2). Identifiers: Orphanet 805, MedGen C1860707, MONDO:0013199, OMIM 613254.
Hereditary cancer-predisposing syndrome. Also called: Hereditary neoplastic syndrome; Neoplastic Syndromes, Hereditary; Tumor predisposition; Hereditary Cancer Syndrome. Identifiers: Orphanet 140162, MedGen C0027672, MeSH D009386, MONDO:0015356.

Allele frequency attached by ClinVar (database versions not stated): TOPMed below 0.00001.

Submissions (2):

Ambry Genetics
Classification: Uncertain significance for Hereditary cancer-predisposing syndrome. Last evaluated: 2024-07-11. Review status: criteria provided, single submitter. Criteria: Ambry Variant Classification Scheme 2023. Collection method: clinical testing. Allele origin: germline.
Comment: The p.A233G variant (also known as c.698C>G), located in coding exon 7 of the TSC2 gene, results from a C to G substitution at nucleotide position 698. The alanine at codon 233 is replaced by glycine, an amino acid with similar properties. This amino acid position is conserved. In addition, the in silico prediction for this alteration is inconclusive. Based on the available evidence, the clinical significance of this variant remains unclear.

Labcorp Genetics (formerly Invitae), Labcorp
Classification: Uncertain significance for Tuberous sclerosis 2. Last evaluated: 2017-07-20. Review status: criteria provided, single submitter. Criteria: Invitae Variant Classification Sherloc (09022015). Collection method: clinical testing. Allele origin: germline.
Comment: This variant is not present in population databases (ExAC no frequency). This sequence change replaces alanine with glycine at codon 233 of the TSC2 protein (p.Ala233Gly). The alanine residue is weakly conserved and there is a small physicochemical difference between alanine and glycine. This variant has not been reported in the literature in individuals with TSC2-related disease. Algorithms developed to predict the effect of missense changes on protein structure and function (SIFT, PolyPhen-2, Align-GVGD) all suggest that this variant is likely to be tolerated, but these predictions have not been confirmed by published functional studies and their clinical significance is uncertain. Algorithms developed to predict the effect of sequence changes on RNA splicing suggest that this variant may create or strengthen a splice site, but this prediction has not been confirmed by published transcriptional studies. In summary, the available evidence is currently insufficient to determine the role of this variant in disease. Therefore, it has been classified as a Variant of Uncertain Significance.

NM_000548.5(TSC2):c.698C>G (p.Ala233Gly)

Gene: TSC2 (TSC complex subunit 2; plus strand). Cytogenetic location: 16p13.3.
Variant type: single nucleotide variant.
Coding change: c.698C>G on transcript NM_000548.5 (MANE Select); coding-DNA position 698, C replaced by G.
Protein change: p.Ala233Gly; replaces alanine 233 with glycine.
Molecular consequence: missense variant.
Genome position (GRCh38, 1-based): chr16:2,056,693, C>G. VCF-style: chr16-2056693-C-G. GRCh37 (hg19) VCF-style: chr16-2106694-C-G.
Other names: c.698C>G, p.Ala233Gly (NM_001363528.2, NM_001370404.1, NM_001370405.1 and 3 more transcripts); c.587C>G, p.Ala196Gly (NM_001318827.2); c.551C>G, p.Ala184Gly (NM_001318829.2); c.98C>G, p.Ala33Gly (NM_001318831.2); c.731C>G, p.Ala244Gly (NM_001318832.2); short protein forms A233G, A196G, A33G, A184G, A244G.
Identifiers: ClinVar variation 468176 (VCV000468176.9), dbSNP rs1555498839, ClinGen allele CA394312631.